The following is an entry in ClinVar:

NM_024649.5(BBS1):c.406C>T (p.Gln136Ter)

Gene: BBS1 (Bardet-Biedl syndrome 1; plus strand). Cytogenetic location: 11q13.2.
Variant type: single nucleotide variant.
Coding change: c.406C>T on transcript NM_024649.5 (MANE Select); coding-DNA position 406, C replaced by T.
Protein change: p.Gln136Ter; replaces glutamine 136 with a stop codon.
Molecular consequence: nonsense.
Genome position (GRCh38, 1-based): chr11:66,514,652, C>T. VCF-style: chr11-66514652-C-T. GRCh37 (hg19) VCF-style: chr11-66282123-C-T.
Other names: short protein forms Q136*.
Identifiers: ClinVar variation 983832 (VCV000983832.6), dbSNP rs1856011738, ClinGen allele CA381457126.

ClinVar aggregate classification (germline): Pathogenic/Likely pathogenic. Review status: criteria provided, multiple submitters, no conflicts (2 of 4 stars). 3 submissions from 3 submitters: Pathogenic (1); Likely pathogenic (2). Last evaluated 2024-05-01.

Conditions:
Bardet-Biedl syndrome 1 (BBS1). Identifiers: MedGen C2936862, MONDO:0008854, OMIM 209900. Disease mechanism: loss of function.
Bardet-Biedl syndrome (BBS). Identifiers: Orphanet 110, MedGen C0752166, MONDO:0015229.

Submissions (3):

Labcorp Genetics (formerly Invitae), Labcorp
Classification: Pathogenic for Bardet-Biedl syndrome. Last evaluated: 2024-05-01. Review status: criteria provided, single submitter. Criteria: Invitae Variant Classification Sherloc (09022015). Collection method: clinical testing. Allele origin: germline.
Comment: This sequence change creates a premature translational stop signal (p.Gln136*) in the BBS1 gene. It is expected to result in an absent or disrupted protein product. Loss-of-function variants in BBS1 are known to be pathogenic (PMID: 12118255, 21520335, 27032803). This variant is not present in population databases (gnomAD no frequency). This variant has not been reported in the literature in individuals affected with BBS1-related conditions. ClinVar contains an entry for this variant (Variation ID: 983832). For these reasons, this variant has been classified as Pathogenic.

Baylor Genetics
Classification: Likely pathogenic for Bardet-Biedl syndrome 1. Last evaluated: 2022-10-29. Review status: criteria provided, single submitter. Criteria: ACMG Guidelines, 2015. Collection method: clinical testing. Allele origin: unknown.

Myriad Genetics, Inc.
Classification: Likely pathogenic for Bardet-Biedl syndrome 1. Last evaluated: 2019-09-15. Review status: criteria provided, single submitter. Criteria: Myriad Women's Health Autosomal Recessive and X-Linked Classification Criteria (2019). Collection method: clinical testing. Allele origin: unknown.
Comment: NM_024649.4(BBS1):c.406C>T(Q136*) is expected to be pathogenic in the context of Bardet-Biedl syndrome, BBS1-related. This variant is predicted to lead to an abnormal or absent protein product due to the creation of a premature termination codon in BBS1, a gene where loss-of-function variants are known to be pathogenic. Please note: this variant was assessed in the context of healthy population screening.

Literature cited by the submitters: PubMed 12118255 (cited by Labcorp Genetics (formerly Invitae), Labcorp); PubMed 21520335 (cited by Labcorp Genetics (formerly Invitae), Labcorp); PubMed 27032803 (cited by Labcorp Genetics (formerly Invitae), Labcorp).